The following is an entry in ClinVar:

ClinVar aggregate classification (germline): Conflicting classifications of pathogenicity. Review status: criteria provided, conflicting classifications (1 of 4 stars). 2 submissions from 2 submitters: Uncertain significance (1); Likely benign (1). Last evaluated 2025-10-08.

Conditions:
Inborn genetic diseases. Identifiers: MedGen C0950123, MeSH D030342.

Allele frequency attached by ClinVar (database versions not stated): gnomAD 0.00001; gnomAD exomes 0.00001.
gnomAD v4.1: 4 of 1,614,074 alleles (0.00025%); highest among the groups gnomAD compares: Admixed American, 0.0067%; no homozygotes.

Submissions (2):

Ambry Genetics
Classification: Likely benign for Inborn genetic diseases. Last evaluated: 2025-10-08. Review status: criteria provided, single submitter. Criteria: Ambry Variant Classification Scheme 2023. Collection method: clinical testing. Allele origin: germline.

Labcorp Genetics (formerly Invitae), Labcorp
Classification: Uncertain significance. Last evaluated: 2022-07-12. Review status: criteria provided, single submitter. Criteria: Invitae Variant Classification Sherloc (09022015). Collection method: clinical testing. Allele origin: germline.
Comment: This sequence change replaces glutamic acid, which is acidic and polar, with lysine, which is basic and polar, at codon 204 of the MTHFD1 protein (p.Glu204Lys). This variant is present in population databases (no rsID available, gnomAD 0.006%). This variant has not been reported in the literature in individuals affected with MTHFD1-related conditions. Algorithms developed to predict the effect of missense changes on protein structure and function output the following: SIFT: "Tolerated"; PolyPhen-2: "Benign"; Align-GVGD: "Class C0". The lysine amino acid residue is found in multiple mammalian species, which suggests that this missense change does not adversely affect protein function. In summary, the available evidence is currently insufficient to determine the role of this variant in disease. Therefore, it has been classified as a Variant of Uncertain Significance.

NM_005956.4(MTHFD1):c.610G>A (p.Glu204Lys)

Gene: MTHFD1 (methylenetetrahydrofolate dehydrogenase, cyclohydrolase and formyltetrahydrofolate synthetase 1; plus strand). Cytogenetic location: 14q23.3.
Variant type: single nucleotide variant.
Coding change: c.610G>A on transcript NM_005956.4 (MANE Select); coding-DNA position 610, G replaced by A.
Protein change: p.Glu204Lys; replaces glutamic acid 204 with lysine.
Molecular consequence: missense variant.
Genome position (GRCh38, 1-based): chr14:64,418,019, G>A. VCF-style: chr14-64418019-G-A. GRCh37 (hg19) VCF-style: chr14-64884737-G-A.
Other names: c.610G>A, p.Glu204Lys (NM_001364837.1); c.610G>A (NM_005956.3); short protein forms E204K.
Identifiers: ClinVar variation 1360708 (VCV001360708.4), dbSNP rs909891224, ClinGen allele CA261830325.